The following is an entry in ClinVar:

ClinVar aggregate classification (germline): Uncertain significance (1 of 4 stars; one submission).

Conditions:
Hypophosphatasia. Also called: Phosphoethanol-aminuria. Identifiers: Orphanet 436, MedGen C0020630, MeSH D007014, MONDO:0018570.

Submission:

JKU Lab, Dept of Paediatrics, Johannes Kepler University
Classification: Uncertain significance for Hypophosphatasia. Last evaluated: 2025-04-24. Review status: criteria provided, single submitter. Criteria: ACMG Guidelines, 2015. Collection method: curation, in vitro. Allele origin: germline, not applicable. Functional consequence: decreased enzyme activity.
Comment: This in-frame deletion variant is not present in GnomAD 4.1. Splice-prediction algorithms predict no effect on splicing. In vitro functional studies showed reduced ALP activity without a dominant negative effect. This variant has been reported in the literature in individuals affected by ALPL-related conditions (PMID: 38884565; PMID: 37362163). The results of the functional testing and the applied ACMG criteria can be viewed at an online resource

Literature cited by the submitters: PubMed 38884565; PubMed 37362163.

NM_000478.6(ALPL):c.1482_1532del (p.Gly495_Leu511del)

Gene: ALPL (alkaline phosphatase, biomineralization associated; plus strand). Cytogenetic location: 1p36.12.
Variant type: Deletion.
Coding change: c.1482_1532del on transcript NM_000478.6 (MANE Select); coding-DNA positions 1482 to 1532, 51 bases deleted.
Protein change: p.Gly495_Leu511del.
Genome position (GRCh38, 1-based): chr1:21,577,555-21,577,605, 51 bases deleted. GRCh37 (hg19): chr1:21,904,048-21,904,098.
Other names: c.1317_1367del, p.Gly440_Leu456del (NM_001127501.4); c.1251_1301del, p.Gly418_Leu434del (NM_001177520.3); c.1482_1532del, p.Gly495_Leu511del (NM_001369803.2, NM_001369804.2, NM_001369805.2).
Identifiers: ClinVar variation 4294346 (VCV004294346.1).